The following is an entry in ClinVar:

ClinVar aggregate classification (germline): Benign/Likely benign. Review status: criteria provided, multiple submitters, no conflicts (2 of 4 stars). 3 submissions from 3 submitters: Benign (1); Likely benign (2). Last evaluated 2025-05-07.

Conditions:
POLD1-related polyposis and colorectal cancer syndrome (CRCS10). Also called: Colorectal cancer, susceptibility to, 10; Colorectal cancer 10; COLORECTAL CANCER, SUSCEPTIBILITY TO, ON CHROMOSOME 19q. Identifiers: Orphanet 220460, MedGen C2675481, MONDO:0012953, OMIM 612591.
Hereditary cancer-predisposing syndrome. Also called: Hereditary Cancer Syndrome; Hereditary neoplastic syndrome; Neoplastic Syndromes, Hereditary; Tumor predisposition. Identifiers: Orphanet 140162, MedGen C0027672, MeSH D009386, MONDO:0015356.

Submissions (3):

Ambry Genetics
Classification: Likely benign for Hereditary cancer-predisposing syndrome. Last evaluated: 2025-05-07. Review status: criteria provided, single submitter. Criteria: Ambry Variant Classification Scheme 2023. Collection method: clinical testing. Allele origin: germline.

Myriad Genetics, Inc.
Classification: Benign for POLD1-related polyposis and colorectal cancer syndrome. Last evaluated: 2025-02-06. Review status: criteria provided, single submitter. Criteria: Myriad Autosomal Dominant, Autosomal Recessive and X-Linked Classification Criteria (2023). Collection method: clinical testing. Allele origin: unknown.
Comment: This variant is considered benign. This variant is a silent/synonymous amino acid change and it is not expected to impact splicing.

Labcorp Genetics (formerly Invitae), Labcorp
Classification: Likely benign for POLD1-related polyposis and colorectal cancer syndrome. Last evaluated: 2019-10-31. Review status: criteria provided, single submitter. Criteria: Invitae Variant Classification Sherloc (09022015). Collection method: clinical testing. Allele origin: germline.

NM_002691.4(POLD1):c.1497T>C (p.Asn499=)

Gene: POLD1 (DNA polymerase delta 1, catalytic subunit; plus strand). Cytogenetic location: 19q13.33.
Variant type: single nucleotide variant.
Coding change: c.1497T>C on transcript NM_002691.4 (MANE Select); coding-DNA position 1497, T replaced by C.
Protein change: p.Asn499=; no amino-acid change (asparagine 499 retained).
Molecular consequence: synonymous variant. On other transcripts: non-coding transcript variant (1).
Genome position (GRCh38, 1-based): chr19:50,406,985, T>C. VCF-style: chr19-50406985-T-C. GRCh37 (hg19) VCF-style: chr19-50910242-T-C.
Other names: c.1497T>C, p.Asn499= (NM_001256849.1, NM_001308632.1); c.1497T>C (NM_002691.2).
Identifiers: ClinVar variation 763994 (VCV000763994.12), dbSNP rs1601218865, ClinGen allele CA508183923.